The following is an entry in ClinVar:

ClinVar aggregate classification (germline): Uncertain significance (1 of 4 stars; one submission).

Allele frequency attached by ClinVar (database versions not stated): ExAC 0.00006; TOPMed 0.00008; gnomAD 0.00011; gnomAD exomes 0.00018; ESP Exome Variant Server 0.00024; 1000 Genomes Project 30x 0.00031.
gnomAD v4.1: 273 of 1,613,918 alleles (0.017%); highest among the groups gnomAD compares: Non-Finnish European, 0.023%; no homozygotes.

Submission:

Labcorp Genetics (formerly Invitae), Labcorp
Classification: Uncertain significance. Last evaluated: 2023-08-02. Review status: criteria provided, single submitter. Criteria: Invitae Variant Classification Sherloc (09022015). Collection method: clinical testing. Allele origin: germline.
Comment: In summary, the available evidence is currently insufficient to determine the role of this variant in disease. Therefore, it has been classified as a Variant of Uncertain Significance. Algorithms developed to predict the effect of sequence changes on RNA splicing suggest that this variant may create or strengthen a splice site. This variant has not been reported in the literature in individuals affected with MYH7B-related conditions. This variant is present in population databases (rs374511084, gnomAD 0.01%). This sequence change falls in intron 25 of the MYH7B gene. It does not directly change the encoded amino acid sequence of the MYH7B protein.

NM_020884.7(MYH7B):c.2307+8C>T

Gene: MYH7B (myosin heavy chain 7B; plus strand). Cytogenetic location: 20q11.22.
Variant type: single nucleotide variant.
Coding change: c.2307+8C>T on transcript NM_020884.7 (MANE Select); 8 bases into the intron after coding-DNA position 2307, C replaced by T.
Molecular consequence: intron variant.
Genome position (GRCh38, 1-based): chr20:34,993,233, C>T. VCF-style: chr20-34993233-C-T. GRCh37 (hg19) VCF-style: chr20-33581036-C-T.
Identifiers: ClinVar variation 2889508 (VCV002889508.3), dbSNP rs374511084, ClinGen allele CA9827313.